The following is an entry in ClinVar:

NM_001042492.3(NF1):c.5886dup (p.Asn1963Ter)

Gene: NF1 (neurofibromin 1; plus strand). Cytogenetic location: 17q11.2.
Variant type: Duplication.
Coding change: c.5886dup on transcript NM_001042492.3 (MANE Select); coding-DNA position 5886, one base duplicated (T; older notation c.5886dupT).
Protein change: p.Asn1963Ter; replaces asparagine 1963 with a stop codon.
Molecular consequence: nonsense. On other transcripts: frameshift variant (2).
Genome position (GRCh38, 1-based): chr17:31,334,911, T duplicated. VCF-style (leftmost placement, unchanged base first): chr17-31334910-A-AT. GRCh37 (hg19) VCF-style: chr17-29661928-A-AT.
Other names: c.5886dupT (NM_001042492.2); c.5823dup, p.Asn1942Terfs (NM_000267.4); short protein forms N1942*, N1963*.
Identifiers: ClinVar variation 957335 (VCV000957335.10), dbSNP rs2069603579, ClinGen allele CA1139665397.

ClinVar aggregate classification (germline): Pathogenic. Review status: criteria provided, multiple submitters, no conflicts (2 of 4 stars). 4 submissions from 4 submitters: Pathogenic (3). 1 of the submissions does not count toward it. Last evaluated 2026-07-10.

Conditions:
Neurofibromatosis, type 1 (NF1). Also called: NEUROFIBROMATOSIS, TYPE I, SOMATIC; Peripheral type neurofibromatosis; VON RECKLINGHAUSEN DISEASE; Neurofibromatosis, type I. Identifiers: Orphanet 636, MedGen C0027831, MONDO:0018975, OMIM 162200. Disease mechanism: loss of function.
NF1-related disorder. Also called: NF1-related condition. Identifiers: MedGen CN379171.

Submissions (4):

Myriad Genetics, Inc.
Classification: Pathogenic for Neurofibromatosis, type 1. Last evaluated: 2026-07-10. Review status: criteria provided, single submitter. Criteria: Myriad Autosomal Dominant, Autosomal Recessive and X-Linked Classification Criteria (2023). Collection method: clinical testing. Allele origin: unknown.
Comment: This variant is considered pathogenic. This variant creates a termination codon and is predicted to result in premature protein truncation.

GeneDx
Classification: Pathogenic. Last evaluated: 2024-06-05. Review status: criteria provided, single submitter. Criteria: GeneDx Variant Classification Process June 2021. Collection method: clinical testing. Allele origin: germline. Affected: yes.
Comment: Has not been previously published as pathogenic or benign to our knowledge; Not observed at significant frequency in large population cohorts (gnomAD); Nonsense variant predicted to result in protein truncation or nonsense mediated decay in a gene for which loss of function is a known mechanism of disease

Labcorp Genetics (formerly Invitae), Labcorp
Classification: Pathogenic for Neurofibromatosis, type 1. Last evaluated: 2023-04-19. Review status: criteria provided, single submitter. Criteria: Invitae Variant Classification Sherloc (09022015). Collection method: clinical testing. Allele origin: germline.
Comment: For these reasons, this variant has been classified as Pathogenic. This sequence change creates a premature translational stop signal (p.Asn1942*) in the NF1 gene. It is expected to result in an absent or disrupted protein product. Loss-of-function variants in NF1 are known to be pathogenic (PMID: 10712197, 23913538). This variant is not present in population databases (gnomAD no frequency). This variant has not been reported in the literature in individuals affected with NF1-related conditions. ClinVar contains an entry for this variant (Variation ID: 957335).

PreventionGenetics, part of Exact Sciences
Classification: Pathogenic for NF1-related condition. Last evaluated: 2023-11-27. Review status: no assertion criteria provided. Collection method: clinical testing. Allele origin: germline. Not counted in ClinVar's aggregate classification.
Comment: The NF1 c.5886dupT variant is predicted to result in premature protein termination (p.Asn1963*). This variant is also referred to as c.5823dup (p.Asn1942*) in an alternate transcript (NM_000267.3). To our knowledge, this variant has not been reported in the literature or in a large population database, indicating this variant is rare. Nonsense variants in NF1 are expected to be pathogenic. This variant is interpreted as pathogenic.

Literature cited by the submitters: PubMed 10712197 (cited by Labcorp Genetics (formerly Invitae), Labcorp); PubMed 23913538 (cited by Labcorp Genetics (formerly Invitae), Labcorp).